The following is an entry in ClinVar:

ClinVar aggregate classification (germline): Likely pathogenic (1 of 4 stars; one submission).

Conditions:
Primary ciliary dyskinesia 3. Identifiers: Orphanet 244, MedGen C1837618, MONDO:0012085, OMIM 608644.

Submission:

Myriad Genetics, Inc.
Classification: Likely pathogenic for Primary ciliary dyskinesia 3. Last evaluated: 2022-05-19. Review status: criteria provided, single submitter. Criteria: Myriad Women's Health Autosomal Recessive and X-Linked Classification Criteria (2021). Collection method: clinical testing. Allele origin: unknown.
Comment: NM_001369.2(DNAH5):c.12650_12653del4ins12(F4217Yfs*32) is expected to be pathogenic in the context of DNAH5-related primary ciliary dyskinesia. This variant is predicted to lead to an abnormal or absent protein product due to the creation of a premature termination codon in DNAH5, a gene where loss-of-function variants are known to be pathogenic. Please note: this variant was assessed in the context of healthy population screening.

NM_001369.3(DNAH5):c.12650_12653delinsATAAGAGACAGT (p.Phe4217fs)

Gene: DNAH5 (dynein axonemal heavy chain 5; minus strand). Cytogenetic location: 5p15.2.
Variant type: Indel.
Coding change: c.12650_12653delinsATAAGAGACAGT on transcript NM_001369.3 (MANE Select); coding-DNA positions 12650 to 12653, TTAA replaced by ATAAGAGACAGT.
Protein change: p.Phe4217fs; shifts the reading frame from phenylalanine 4217.
Molecular consequence: frameshift variant.
Genome position (GRCh38, 1-based): chr5:13,717,367-13,717,370, TTAA replaced by ACTGTCTCTTAT on the plus strand (TTAA replaced by ATAAGAGACAGT on the coding strand, the reverse complement: DNAH5 is on the minus strand). VCF-style: chr5-13717367-TTAA-ACTGTCTCTTAT. GRCh37 (hg19) VCF-style: chr5-13717476-TTAA-ACTGTCTCTTAT.
Other names: short protein forms F4217fs.
Identifiers: ClinVar variation 1726178 (VCV001726178.2), dbSNP rs2546512190, ClinGen allele CA2580071991.
Genomic context (GRCh38, chr5:13,717,367, plus strand): 5'-GGCAGTACCTTTTTGACATCCATGTCATCCAAGTGGTTTTGGATGAACTGCACAGTGGCA[TTAA>ACTGTCTCTTAT]AGTCCGCTTGGTTAAATTCGTAGGGGATATTCCACCCCAGGGCACCGAACTTGCGCCTCT-3'